The following is an entry in ClinVar:

NM_002769.5(PRSS1):c.370T>C (p.Ser124Pro)

Genes: TRB (T cell receptor beta locus; plus strand), PRSS1 (serine protease 1; plus strand). Cytogenetic location: 7q34.
Variant type: single nucleotide variant.
Coding change: c.370T>C on transcript NM_002769.5 (MANE Select); coding-DNA position 370, T replaced by C.
Protein change: p.Ser124Pro; replaces serine 124 with proline.
Molecular consequence: missense variant.
Genome position (GRCh38, 1-based): chr7:142,751,943, T>C. VCF-style: chr7-142751943-T-C. GRCh37 (hg19) VCF-style: chr7-142459794-T-C.
Other names: c.370T>C (NM_002769.4); short protein forms S124P.
Identifiers: ClinVar variation 1024195 (VCV001024195.10), dbSNP rs1798775039, ClinGen allele CA369608968.

ClinVar aggregate classification (germline): Uncertain significance. Review status: criteria provided, multiple submitters, no conflicts (2 of 4 stars). 2 submissions from 2 submitters: Uncertain significance (2). Last evaluated 2026-05-22.

Conditions:
Hereditary pancreatitis (PCTT). Also called: Hereditary chronic pancreatitis; PRSS1-Related Hereditary Pancreatitis. Identifiers: Orphanet 676, MedGen C0238339, MONDO:0008185, OMIM 167800.

Allele frequency attached by ClinVar (database versions not stated): gnomAD exomes below 0.00001.
gnomAD v4.1: 1 of 1,614,010 alleles (0.000062%); highest among the groups gnomAD compares: Non-Finnish European, 0.000085%; no homozygotes.

Submissions (2):

Ambry Genetics
Classification: Uncertain significance for Hereditary pancreatitis. Last evaluated: 2026-05-22. Review status: criteria provided, single submitter. Criteria: Ambry Variant Classification Scheme 2023. Collection method: clinical testing. Allele origin: germline.

Labcorp Genetics (formerly Invitae), Labcorp
Classification: Uncertain significance for Hereditary pancreatitis. Last evaluated: 2020-05-03. Review status: criteria provided, single submitter. Criteria: Invitae Variant Classification Sherloc (09022015). Collection method: clinical testing. Allele origin: germline.
Comment: In summary, the available evidence is currently insufficient to determine the role of this variant in disease. Therefore, it has been classified as a Variant of Uncertain Significance. Algorithms developed to predict the effect of missense changes on protein structure and function (SIFT, PolyPhen-2, Align-GVGD) all suggest that this variant is likely to be tolerated, but these predictions have not been confirmed by published functional studies and their clinical significance is uncertain. This variant has not been reported in the literature in individuals with PRSS1-related conditions. This variant is not present in population databases (ExAC no frequency). This sequence change replaces serine with proline at codon 124 of the PRSS1 protein (p.Ser124Pro). The serine residue is weakly conserved and there is a moderate physicochemical difference between serine and proline.